The following is an entry in ClinVar:

ClinVar aggregate classification (germline): Conflicting classifications of pathogenicity. Review status: criteria provided, conflicting classifications (1 of 4 stars). 20 submissions from 20 submitters: Pathogenic (1); Likely pathogenic (15); Uncertain significance (2). 2 of the submissions do not count toward it. Last evaluated 2026-09-11.

Conditions:
MYBPC3-related disorder. Also called: MYBPC3-related disorders; MYBPC3-related condition; MYBPC3-related disease.
Hypertrophic cardiomyopathy 4. Also called: Familial hypertrophic cardiomyopathy 4. Identifiers: MedGen C1861862, MONDO:0007268, OMIM 115197.
Left ventricular noncompaction 10 (LVNC10). Identifiers: Orphanet 154, Orphanet 54260, MedGen C3715165, MONDO:0014163, OMIM 615396.
Cardiovascular phenotype. Identifiers: MedGen CN230736.
Cardiomyopathy (CMYO). Also called: Cardiomyopathies. Identifiers: Orphanet 167848, MedGen C0878544, MONDO:0004994, HP:0001638. Inheritance: Various modes of inheritance.
Primary familial hypertrophic cardiomyopathy (HCM). Identifiers: Orphanet 99739, MedGen C0949658, MeSH D024741, MONDO:0024573. Inheritance: Various modes of inheritance.
Hypertrophic cardiomyopathy. Also called: HYPERTROPHIC MYOCARDIOPATHY. Identifiers: Orphanet 217569, MedGen C0007194, MeSH D002312, MONDO:0005045, HP:0001639.

Allele frequency attached by ClinVar (database versions not stated): ESP Exome Variant Server 0.00008; ExAC 0.00003; gnomAD exomes 0.00005; TOPMed 0.00007.
gnomAD v4.1: 116 of 1,613,846 alleles (0.0072%); highest among the groups gnomAD compares: Non-Finnish European, 0.0094%; no homozygotes.

Submissions 1 to 7 of 20:

Ambry Genetics
Classification: Likely pathogenic for Cardiovascular phenotype. Last evaluated: 2026-09-11. Review status: criteria provided, single submitter. Criteria: Ambry Variant Classification Scheme 2023. Collection method: clinical testing. Allele origin: germline.
Comment: The c.2429G>A (p.R810H) alteration is located in exon 25 (coding exon 25) of the MYBPC3 gene. This alteration results from a G to A substitution at nucleotide position 2429, causing the arginine (R) at amino acid position 810 to be replaced by a histidine (H). Based on data from gnomAD, the A allele has an overall frequency of 0.005% (12/249184) total alleles studied. The highest observed frequency was 0.01% (11/112984) of European (non-Finnish) alleles. This variant has been reported in multiple unrelated individuals with hypertrophic cardiomyopathy (HCM), though in some cases, a second alteration was also detected or clinical details were limited (Van Driest, 2004; Van Driest, 2005; Kaski, 2009; Roncarati, 2011; Coppini, 2014; Liu, 2015; Bagnall, 2022; Field, 2022; Sepp, 2022). One study reported this variant in the homozygous state in an individual with a more severe presentation, and an additional publication reported this variant to co-segregate with disease in two siblings (Nanni, 2003; Maron, 2011). In one or more case control studies, this variant was found to be a low penetrance variant associated with MYBPC3-related cardiomyopathy (Meisner, 2025). This amino acid position is highly conserved in available vertebrate species. This alteration is predicted to be deleterious by in silico analysis. Based on the available evidence, this alteration is classified as likely pathogenic.

GeneDx
Classification: Likely pathogenic. Last evaluated: 2026-08-10. Review status: criteria provided, single submitter. Criteria: GeneDx Variant Classification Process June 2021. Collection method: clinical testing. Allele origin: germline.
Comment: In silico analysis supports that this missense variant has a deleterious effect on protein structure/function; This variant is associated with the following publications: (PMID: 25335496, 15115610, 28790153, 25524337, 21302287, 20031618, 23299917, 25637381, 23549607, 18761664, 21185001, 12951062, 27483260, 27600940, 27532257, 15519027, 15936968, 25351510, 21415409, 30847666, 33558530, 28615295, 33782553, 34542152, 24033266, 32841044, 28408708, 35626289, 37396317, 20624503, 34400558, 22958901, 26090888, 36243179, 36437915, 36252119, 39486665, 37652022, 38456273, 36578016, 38002985, 42327163)

Labcorp Genetics (formerly Invitae), Labcorp
Classification: Pathogenic for Hypertrophic cardiomyopathy. Last evaluated: 2026-02-01. Review status: criteria provided, single submitter. Criteria: Invitae Variant Classification Sherloc (09022015). Collection method: clinical testing. Allele origin: germline.
Comment: This sequence change replaces arginine, which is basic and polar, with histidine, which is basic and polar, at codon 810 of the MYBPC3 protein (p.Arg810His). This variant is present in population databases (rs375675796, gnomAD 0.01%). This missense change has been observed in individuals with hypertrophic cardiomyopathy (PMID: 15519027, 25524337, 27483260, 28615295; internal data). ClinVar contains an entry for this variant (Variation ID: 42620). An algorithm developed to predict the effect of missense changes on protein structure and function (PolyPhen-2) suggests that this variant is likely to be disruptive. This variant disrupts the p.Arg810 amino acid residue in MYBPC3. Other variant(s) that disrupt this residue have been observed in individuals with MYBPC3-related conditions (PMID: 25524337; internal data), which suggests that this may be a clinically significant amino acid residue. For these reasons, this variant has been classified as Pathogenic.

Color Diagnostics, LLC DBA Color Health
Classification: Likely pathogenic for Cardiomyopathy. Last evaluated: 2025-09-02. Review status: criteria provided, single submitter. Criteria: ACMG Guidelines, 2015. Collection method: clinical testing. Allele origin: germline.
Comment: This missense variant replaces arginine with histidine at codon 810 in the fibronectin type 3 domain C6 of the MYBPC3 protein. Computational prediction suggests that this variant may have a deleterious impact on protein structure and function. A functional study has shown that this variant had a 44% prolonged MyBPC protein half-life compared to wild-type (PMID: 32841044). However, clinical relevance of this observation is not clear. This variant has been reported in over 30 individuals affected with hypertrophic cardiomyopathy (PMID: 12951062, 15519027, 15936968, 20031618, 20624503, 21185001, 21302287, 25524337, 26090888, 27483260, 27532257, 27600940, 35626289, 37477868, 38002985, 38489124, 38757491). One of these individuals also carried a different pathogenic missense variant in the MYBPC3 gene (PMID: 12951062). This variant has been reported in homozygosity in two individuals affected with hypertrophic cardiomyopathy (PMID: 12951062, 30847666) as well as in an individual affected with dilated cardiomyopathy who also carried an additional pathogenic truncation variant in the same gene (PMID: 38795101). It has been shown that this variant segregates with disease in multiple affected individuals in several families (PMID: 21185001ClinVar SCV000059138.7). This variant has been identified in 12/249184 chromosomes in the general population by the Genome Aggregation Database (gnomAD). Based on the available evidence, this variant is classified as Likely Pathogenic.

Mayo Clinic Laboratories, Mayo Clinic
Classification: Likely pathogenic. Last evaluated: 2025-08-20. Review status: criteria provided, single submitter. Criteria: ACMG Guidelines, 2015. Collection method: clinical testing. Allele origin: germline. Observed: 2 variant alleles.
Comment: PP1, PS4

PreventionGenetics, part of Exact Sciences
Classification: Likely pathogenic for MYBPC3-related condition. Last evaluated: 2025-08-13. Review status: criteria provided, single submitter. Criteria: ACMG Guidelines, 2015. Collection method: clinical testing. Allele origin: germline.
Comment: The MYBPC3 c.2429G>A variant is predicted to result in the amino acid substitution p.Arg810His. This variant has been reported in the heterozygous state in individuals with hypertrophic cardiomyopathy (HCM) and segregated with disease in one family (see, for example: Kaski et al. 2009. PubMed ID: 20031618, Maron et al. 2011. PubMed ID: 21185001; Table S1A and S1B, Walsh et al. 2017. PubMed ID: 2753225). It has also been described in the homozygous state or with a second MYBPC3 variant in individuals with HCM, some of whom were indicated to have a more severe phenotype (Nanni et al. 2003. PubMed ID: 12951062; Online Supplementary File 2, van Lint et al. 2019. PubMed ID: 30847666; Supplemental Table 2, Field et al. 2022. PubMed ID: 34400558). This variant has also been reported in individuals with dilated cardiomyopathy; one of these individuals also carried a truncating variant in MYBPC3 (Table S1A, Walsh et al. 2017. PubMed ID: 27532257; Supplemental Table 1, Dal Ferro et al. 2024. PubMed ID: 38795101). The results of experimental studies of this variant are inconclusive (Helms et al. 2020. PubMed ID: 32841044). This variant is reported in 0.0097% of alleles in individuals of European (non-Finnish) descent in gnomAD. This variant is interpreted as likely pathogenic.

CeGaT Center for Human Genetics Tuebingen
Classification: Likely pathogenic. Last evaluated: 2024-12-01. Review status: criteria provided, single submitter. Criteria: CeGaT Center For Human Genetics Tuebingen Variant Classification Criteria Version 2. Collection method: clinical testing. Allele origin: germline. Affected: yes. Observed: 2 variant alleles.
Comment: MYBPC3: PM5, PS4:Moderate, PM2:Supporting, PP1

NM_000256.3(MYBPC3):c.2429G>A (p.Arg810His)

Gene: MYBPC3 (myosin binding protein C3; minus strand). Cytogenetic location: 11p11.2.
Variant type: single nucleotide variant.
Coding change: c.2429G>A on transcript NM_000256.3 (MANE Select); coding-DNA position 2429, G replaced by A.
Protein change: p.Arg810His; replaces arginine 810 with histidine.
Molecular consequence: missense variant.
Genome position (GRCh38, 1-based): chr11:47,337,564, C>T on the plus strand (G>A on the coding strand, the complement: MYBPC3 is on the minus strand). VCF-style: chr11-47337564-C-T. GRCh37 (hg19) VCF-style: chr11-47359115-C-T.
Other names: short protein forms R810H.
Identifiers: ClinVar variation 42620 (VCV000042620.70), dbSNP rs375675796, ClinGen allele CA012237.
Genomic context (GRCh38, chr11:47,337,564, plus strand): 5'-CTCAGCTCCTGAATCAGGTCGAAGTTCAGCCGCATCCACCGGTAGCTCTTCTTCTTCTTG[C>T]GCTCCAGGATGTAGCCTGGCTCAGGGGAGGTGGCAGCTCTGGTCTGGAACCCAGGCATCC-3'
Protein context (NP_000247.2, residues 800-820): GQPILGYILE[Arg810His]KKKKSYRWMR